The following is an entry in ClinVar:

ClinVar aggregate classification (germline): Likely benign. Review status: criteria provided, single submitter (1 of 4 stars). 2 submissions from 2 submitters: Likely benign (1). 1 of the submissions does not count toward it. Last evaluated 2024-08-19.

Conditions:
PLXNA2-related disorder. Also called: PLXNA2-related condition.

Allele frequency attached by ClinVar (database versions not stated): gnomAD 0.00005; ExAC 0.00006; 1000 Genomes Project 0.00020; 1000 Genomes Project 30x 0.00031.
gnomAD v4.1: 26 of 1,614,124 alleles (0.0016%); highest among the groups gnomAD compares: East Asian, 0.029%; no homozygotes.

Submissions (2):

Labcorp Genetics (formerly Invitae), Labcorp
Classification: Likely benign. Last evaluated: 2024-08-19. Review status: criteria provided, single submitter. Criteria: Invitae Variant Classification Sherloc (09022015). Collection method: clinical testing. Allele origin: germline.

PreventionGenetics, part of Exact Sciences
Classification: Likely benign for PLXNA2-related condition. Last evaluated: 2021-06-15. Review status: no assertion criteria provided. Collection method: clinical testing. Allele origin: germline. Not counted in ClinVar's aggregate classification.
Comment: This variant is classified as likely benign based on ACMG/AMP sequence variant interpretation guidelines (Richards et al. 2015 PMID: 25741868, with internal and published modifications).

NM_025179.4(PLXNA2):c.2766C>T (p.Leu922=)

Gene: PLXNA2 (plexin A2; minus strand). Cytogenetic location: 1q32.2.
Variant type: single nucleotide variant.
Coding change: c.2766C>T on transcript NM_025179.4 (MANE Select); coding-DNA position 2766, C replaced by T.
Protein change: p.Leu922=; no amino-acid change (leucine 922 retained).
Molecular consequence: synonymous variant.
Genome position (GRCh38, 1-based): chr1:208,054,511, G>A on the plus strand (C>T on the coding strand, the complement: PLXNA2 is on the minus strand). VCF-style: chr1-208054511-G-A. GRCh37 (hg19) VCF-style: chr1-208227856-G-A.
Identifiers: ClinVar variation 3055854 (VCV003055854.4), dbSNP rs199954172, ClinGen allele CA1373407.